The following is an entry in ClinVar:

NM_000202.8(IDS):c.884A>T (p.Lys295Ile)

Genes: IDS (iduronate 2-sulfatase; minus strand), LOC106050102 (IDS recombination region; plus strand). Cytogenetic location: Xq28.
Variant type: single nucleotide variant.
Coding change: c.884A>T on transcript NM_000202.8 (MANE Select); coding-DNA position 884, A replaced by T.
Protein change: p.Lys295Ile; replaces lysine 295 with isoleucine.
Molecular consequence: missense variant. On other transcripts: non-coding transcript variant (1).
Genome position (GRCh38, 1-based): chrX:149,490,436, T>A on the plus strand (A>T on the coding strand, the complement: IDS is on the minus strand). VCF-style: chrX-149490436-T-A. GRCh37 (hg19) VCF-style: chrX-148571967-T-A.
Other names: c.614A>T, p.Lys205Ile (NM_001166550.4); c.884A>T, p.Lys295Ile (NM_006123.5); short protein forms K295I, K205I.
Identifiers: ClinVar variation 221212 (VCV000221212.4), dbSNP rs113993953, ClinGen allele CA348012.
Genomic context (GRCh38, chrX:149,490,436, plus strand): 5'-AAGAGGCGGCCGACCTGTGTATCCAAATATGACACAGAGGCAAAGTAGCTCTGGCGGATT[T>A]TCCGCTGCAAATTGAAAAAAAATAAAAATGAGAGTGACTGCAATTTAAATTGCCAAGGCA-3'
Protein context (NP_000193.1, residues 285-305): YGPIPVDFQR[Lys295Ile]IRQSYFASVS

ClinVar aggregate classification (germline): Conflicting classifications of pathogenicity. Review status: criteria provided, conflicting classifications (1 of 4 stars). 2 submissions from 2 submitters: Pathogenic (1); Uncertain significance (1). Last evaluated 2024-06-07.

Conditions:
Mucopolysaccharidosis, MPS-II (MPS2). Also called: Hunter Syndrome; Mucopolysaccharidosis with skin involvement; Mucopolysaccharidosis type 2; IDURONATE 2-SULFATASE DEFICIENCY; Mucopolysaccharidosis Type II; IDS deficiency. Identifiers: Orphanet 580, Orphanet 79388, MedGen C0026705, MONDO:0010674, OMIM 309900.

Submissions (2):

Laboratory of Diagnosis and Therapy of Lysosomal Disorders, University of Padova
Classification: Uncertain significance for Mucopolysaccharidosis, MPS-II. Last evaluated: 2024-06-07. Review status: criteria provided, single submitter. Criteria: ACMG Guidelines, 2015. Collection method: literature only. Allele origin: germline. Affected: yes. Observed: 1 variant allele.
Comment: Absent from controls (or at low frequency) in gnomAD database (PM2_Moderate), Missense variant in a gene with a low rate of benign missense variation (PP2_Supporting), Patient’s phenotype or family history highly specific for the disease (PP4_Moderate)

Classification method: ACMG Guidelines [PMID:25741868] with modifications

IIFP, CONICET-UNLP
Classification: Pathogenic for Mucopolysaccharidosis, MPS-II. Last evaluated: 2008-02-26. Review status: criteria provided, single submitter. Criteria: ACMG Guidelines, 2007. Collection method: research. Allele origin: maternal. Inheritance: X-linked inheritance. Affected: yes. Observed: 1 variant allele.

Literature cited by the submitters: PubMed 27896113 (cited by Laboratory of Diagnosis and Therapy of Lysosomal Disorders, University of Padova); DOI 10.1016/j.ymgmr.2014.08.006 (cited by IIFP, CONICET-UNLP).